The following is an entry in ClinVar:

NM_172071.4(RC3H1):c.437T>C (p.Val146Ala)

Gene: RC3H1 (ring finger and CCCH-type domains 1; minus strand). Cytogenetic location: 1q25.1.
Variant type: single nucleotide variant.
Coding change: c.437T>C on transcript NM_172071.4 (MANE Select); coding-DNA position 437, T replaced by C.
Protein change: p.Val146Ala; replaces valine 146 with alanine.
Molecular consequence: missense variant.
Genome position (GRCh38, 1-based): chr1:173,983,573, A>G on the plus strand (T>C on the coding strand, the complement: RC3H1 is on the minus strand). VCF-style: chr1-173983573-A-G. GRCh37 (hg19) VCF-style: chr1-173952711-A-G.
Other names: c.437T>C, p.Val146Ala (NM_001300850.1, NM_001300851.1, NM_001300852.1); short protein forms V146A.
Identifiers: ClinVar variation 2500075 (VCV002500075.1), dbSNP rs72711434, ClinGen allele CA1252188.

ClinVar aggregate classification (germline): Uncertain significance (1 of 4 stars; one submission).

Conditions:
Hemophagocytic lymphohistiocytosis, familial, 6. Also called: IMMUNE DYSREGULATION AND SYSTEMIC HYPERINFLAMMATION SYNDROME. Identifiers: MedGen C5436563, MONDO:0033557, OMIM 618998.

Allele frequency attached by ClinVar (database versions not stated): 1000 Genomes Project 0.00160; 1000 Genomes Project 30x 0.00172; TOPMed 0.00280; ExAC 0.00300; gnomAD 0.00323; ESP Exome Variant Server 0.00338; gnomAD exomes 0.00470.
gnomAD v4.1: 7,257 of 1,614,166 alleles (0.45%); highest among the groups gnomAD compares: Non-Finnish European, 0.54%; 26 homozygotes.

Submission:

Center for Genomics, Ann and Robert H. Lurie Children's Hospital of Chicago
Classification: Uncertain significance for Hemophagocytic lymphohistiocytosis, familial, 6. Last evaluated: 2022-11-09. Review status: criteria provided, single submitter. Criteria: ACMG Guidelines, 2015. Collection method: clinical testing. Allele origin: germline.
Comment: This variant has not been reported in the literature but is present in the Genome Aggregation Database (Highest reported MAF 0.5% [343/68018] including 1 homozygote). Evolutionary conservation and computational prediction tools suggest that this variant may impact the protein. In summary, data on this variant is insufficient for disease classification. Therefore, the clinical significance of this variant is uncertain.